The following is an entry in ClinVar:

ClinVar aggregate classification (germline): Uncertain significance (1 of 4 stars; one submission).

Conditions:
Hereditary diffuse gastric adenocarcinoma (HDGC). Also called: DIFFUSE GASTRIC AND LOBULAR BREAST CANCER SYNDROME. Identifiers: Orphanet 26106, MedGen C1708349, MONDO:0007648, OMIM 137215.

Submission:

Labcorp Genetics (formerly Invitae), Labcorp
Classification: Uncertain significance for Hereditary diffuse gastric adenocarcinoma. Last evaluated: 2024-12-24. Review status: criteria provided, single submitter. Criteria: Invitae Variant Classification Sherloc (09022015). Collection method: clinical testing. Allele origin: germline.
Comment: This sequence change replaces glycine, which is neutral and non-polar, with aspartic acid, which is acidic and polar, at codon 441 of the CDH1 protein (p.Gly441Asp). This variant is not present in population databases (gnomAD no frequency). This variant has not been reported in the literature in individuals affected with CDH1-related conditions. An algorithm developed to predict the effect of missense changes on protein structure and function (PolyPhen-2) suggests that this variant is likely to be disruptive. In summary, the available evidence is currently insufficient to determine the role of this variant in disease. Therefore, it has been classified as a Variant of Uncertain Significance.

NM_004360.5(CDH1):c.1322G>A (p.Gly441Asp)

Gene: CDH1 (cadherin 1; plus strand). Cytogenetic location: 16q22.1.
Variant type: single nucleotide variant.
Coding change: c.1322G>A on transcript NM_004360.5 (MANE Select); coding-DNA position 1322, G replaced by A.
Protein change: p.Gly441Asp; replaces glycine 441 with aspartic acid.
Molecular consequence: missense variant. On other transcripts: 5 prime UTR variant (2).
Genome position (GRCh38, 1-based): chr16:68,815,516, G>A. VCF-style: chr16-68815516-G-A. GRCh37 (hg19) VCF-style: chr16-68849419-G-A.
Other names: c.1139G>A, p.Gly380Asp (NM_001317184.2); c.-227G>A (NM_001317185.2); c.-498G>A (NM_001317186.2); short protein forms G441D, G380D.
Identifiers: ClinVar variation 3727943 (VCV003727943.2).